The following is an entry in ClinVar:

NM_001754.5(RUNX1):c.534T>G (p.Thr178=)

Genes: RUNX1 (RUNX family transcription factor 1; minus strand), RUNX1-AS1 (RUNX1 antisense RNA 1; plus strand). Cytogenetic location: 21q22.12.
Variant type: single nucleotide variant.
Coding change: c.534T>G on transcript NM_001754.5 (MANE Select); coding-DNA position 534, T replaced by G.
Protein change: p.Thr178=; no amino-acid change (threonine 178 retained).
Molecular consequence: synonymous variant.
Genome position (GRCh38, 1-based): chr21:34,859,553, A>C on the plus strand (T>G on the coding strand, the complement: RUNX1 is on the minus strand). VCF-style: chr21-34859553-A-C. GRCh37 (hg19) VCF-style: chr21-36231850-A-C.
Other names: NM_001754.5(RUNX1):c.534T>G; p.Thr178=; c.453T>G, p.Thr151= (NM_001001890.3, NM_001122607.2); c.534T>G (NM_001754.4).
Identifiers: ClinVar variation 1670824 (VCV001670824.10), dbSNP rs2146236380, ClinGen allele CA512319117.

ClinVar aggregate classification (germline): Likely benign. Review status: reviewed by expert panel (3 of 4 stars). 3 submissions from 3 submitters: Likely benign (1). 2 of the submissions do not count toward it. Last evaluated 2024-09-18.

Conditions:
Hereditary thrombocytopenia and hematologic cancer predisposition syndrome. Identifiers: Orphanet 71290, MedGen CN281654, MONDO:0011071.
Inborn genetic diseases. Identifiers: MedGen C0950123, MeSH D030342.
Hereditary thrombocytopenia and hematological cancer predisposition syndrome associated with RUNX1. Also called: PLATELET DISORDER, ASPIRIN-LIKE; RUNX1 Familial Platelet Disorder with Associated Myeloid Malignancies; Familial Platelet Disorder with Propensity to Acute Myelogenous Leukemia; Familial thrombocytopenia with propensity to acute myelogenous leukemia. Identifiers: Orphanet 71290, MedGen C1832388, MeSH C563324, MONDO:0100083, OMIM 601399.

Allele frequency attached by ClinVar (database versions not stated): gnomAD exomes below 0.00001.
gnomAD v4.1: 1 of 1,614,148 alleles (0.000062%); highest among the groups gnomAD compares: Non-Finnish European, 0.000085%; no homozygotes.

Submissions (3):

ClinGen Myeloid Malignancy Variant Curation Expert Panel
Classification: Likely benign for Hereditary thrombocytopenia and hematologic cancer predisposition syndrome. Last evaluated: 2024-09-18. Review status: reviewed by expert panel. Criteria: ClinGen MyeloMalig ACMG Specifications v2. Collection method: curation. Allele origin: germline. Inheritance: Autosomal dominant inheritance.
Comment: NM_001754.5(RUNX1):c.534T>G (p.Thr178=) is a synonymous variant which has a SpliceAI score ≤ 0.20 (0.0) (BP4). This variant has a SpliceAI score ≤ 0.20 (0.0) and evolutionary conservation algorithms predict the site as not being conserved (PhyloP score ≤ 2.0 (-4.60) (BP7). This variant is completely absent from all population databases with at least 20x coverage for RUNX1 (PM2_Supporting). In summary, this variant meets criteria to be classified as likely benign. ACMG/AMP criteria applied, as specified by the Myeloid Malignancy Variant Curation Expert Panel for RUNX1: BP4, BP7, PM2_supporting.

Ambry Genetics
Classification: Likely benign for Inborn genetic diseases. Last evaluated: 2025-05-27. Review status: criteria provided, single submitter. Criteria: Ambry Variant Classification Scheme 2023. Collection method: clinical testing. Allele origin: germline. Not counted in ClinVar's aggregate classification.

Labcorp Genetics (formerly Invitae), Labcorp
Classification: Likely benign for Hereditary thrombocytopenia and hematological cancer predisposition syndrome associated with RUNX1. Last evaluated: 2025-03-05. Review status: criteria provided, single submitter. Criteria: Invitae Variant Classification Sherloc (09022015). Collection method: clinical testing. Allele origin: germline. Not counted in ClinVar's aggregate classification.